The following is an entry in ClinVar:

NM_004329.3(BMPR1A):c.939A>C (p.Glu313Asp)

Gene: BMPR1A (bone morphogenetic protein receptor type 1A; plus strand). Cytogenetic location: 10q23.2.
Variant type: single nucleotide variant.
Coding change: c.939A>C on transcript NM_004329.3 (MANE Select); coding-DNA position 939, A replaced by C.
Protein change: p.Glu313Asp; replaces glutamic acid 313 with aspartic acid.
Molecular consequence: missense variant. On other transcripts: non-coding transcript variant (3).
Genome position (GRCh38, 1-based): chr10:86,919,242, A>C. VCF-style: chr10-86919242-A-C. GRCh37 (hg19) VCF-style: chr10-88678999-A-C.
Other names: c.939A>C, p.Glu313Asp (NM_001406567.1, NM_001406568.1, NM_001406569.1 and 19 more transcripts); c.1014A>C, p.Glu338Asp (NM_001406559.1); c.987A>C, p.Glu329Asp (NM_001406560.1); c.933A>C, p.Glu311Asp (NM_001406583.1); c.855A>C, p.Glu285Asp (NM_001406584.1, NM_001406585.1, NM_001406586.1 and 2 more transcripts); c.597A>C, p.Glu199Asp (NM_001406589.1); short protein forms E313D, E329D, E199D, E338D, E285D, E311D.
Identifiers: ClinVar variation 4717791 (VCV004717791.1).
Genomic context (GRCh38, chr10:86,919,242, plus strand): 5'-GGCAGACATTAAAGGTACAGGTTCCTGGACTCAGCTCTATTTGATTACTGATTACCATGA[A>C]AATGGATCTCTCTATGACTTCCTGAAATGTGCTACACTGGACACCAGAGCCCTGCTTAAA-3'
Protein context (NP_004320.2, residues 303-323): TQLYLITDYH[Glu313Asp]NGSLYDFLKC

ClinVar aggregate classification (germline): Uncertain significance (1 of 4 stars; one submission).

Conditions:
Juvenile polyposis syndrome (JPS). Identifiers: Orphanet 2929, MedGen C0345893, MONDO:0017380, OMIM 174900.

Submission:

Labcorp Genetics (formerly Invitae), Labcorp
Classification: Uncertain significance for Juvenile polyposis syndrome. Last evaluated: 2025-03-30. Review status: criteria provided, single submitter. Criteria: Invitae Variant Classification Sherloc (09022015). Collection method: clinical testing. Allele origin: germline.
Comment: This sequence change replaces glutamic acid, which is acidic and polar, with aspartic acid, which is acidic and polar, at codon 313 of the BMPR1A protein (p.Glu313Asp). This variant is not present in population databases (gnomAD no frequency). This variant has not been reported in the literature in individuals affected with BMPR1A-related conditions. Invitae Evidence Modeling of protein sequence and biophysical properties (such as structural, functional, and spatial information, amino acid conservation, physicochemical variation, residue mobility, and thermodynamic stability) has been performed for this missense variant. However, the output from this modeling did not meet the statistical confidence thresholds required to predict the impact of this variant on BMPR1A protein function. In summary, the available evidence is currently insufficient to determine the role of this variant in disease. Therefore, it has been classified as a Variant of Uncertain Significance.